The following is an entry in ClinVar:

NM_000069.3(CACNA1S):c.2809C>T (p.Leu937Phe)

Gene: CACNA1S (calcium voltage-gated channel subunit alpha1 S; minus strand). Cytogenetic location: 1q32.1.
Variant type: single nucleotide variant.
Coding change: c.2809C>T on transcript NM_000069.3 (MANE Select); coding-DNA position 2809, C replaced by T.
Protein change: p.Leu937Phe; replaces leucine 937 with phenylalanine.
Molecular consequence: missense variant.
Genome position (GRCh38, 1-based): chr1:201,065,882, G>A on the plus strand (C>T on the coding strand, the complement: CACNA1S is on the minus strand). VCF-style: chr1-201065882-G-A. GRCh37 (hg19) VCF-style: chr1-201035010-G-A.
Other names: short protein forms L937F.
Identifiers: ClinVar variation 4686995 (VCV004686995.1).

ClinVar aggregate classification (germline): Uncertain significance (1 of 4 stars; one submission).

gnomAD v4.1: 8 of 1,614,162 alleles (0.0005%); highest among the groups gnomAD compares: Admixed American, 0.0033%; no homozygotes.

Submission:

GeneDx
Classification: Uncertain significance. Last evaluated: 2025-07-22. Review status: criteria provided, single submitter. Criteria: GeneDx Variant Classification Process June 2021. Collection method: clinical testing. Allele origin: germline. Affected: yes.
Comment: In silico analysis supports that this missense variant has a deleterious effect on protein structure/function; Has not been previously published as pathogenic or benign to our knowledge